The following is an entry in ClinVar:

NM_014844.5(TECPR2):c.3182T>C (p.Val1061Ala)

Gene: TECPR2 (tectonin beta-propeller repeat containing 2; plus strand). Cytogenetic location: 14q32.31.
Variant type: single nucleotide variant.
Coding change: c.3182T>C on transcript NM_014844.5 (MANE Select); coding-DNA position 3182, T replaced by C.
Protein change: p.Val1061Ala; replaces valine 1061 with alanine.
Molecular consequence: missense variant.
Genome position (GRCh38, 1-based): chr14:102,449,735, T>C. VCF-style: chr14-102449735-T-C. GRCh37 (hg19) VCF-style: chr14-102916072-T-C.
Other names: c.3182T>C (NM_014844.4); c.3182T>C, p.Val1061Ala (NM_001172631.3); short protein forms V1061A.
Identifiers: ClinVar variation 643494 (VCV000643494.8), dbSNP rs1567347217, ClinGen allele CA391068101.
Genomic context (GRCh38, chr14:102,449,735, plus strand): 5'-AGACGATAATCCATGCCACTCACTCGGTGGCCACAGCAGCCCAAGCCCCCGTAGAAAAGG[T>C]GGCAGATAAGCTGCGCATGGCGTTTTGGTCCCAGCAGCTTCAGTGCCAGCCAAGCCTTCT-3'
Protein context (NP_055659.2, residues 1051-1071): ATAAQAPVEK[Val1061Ala]ADKLRMAFWS

ClinVar aggregate classification (germline): Uncertain significance. Review status: criteria provided, multiple submitters, no conflicts (2 of 4 stars). 3 submissions from 3 submitters: Uncertain significance (2). 1 of the submissions does not count toward it. Last evaluated 2022-11-01.

Conditions:
Hereditary spastic paraplegia 49 (HSAN9). Also called: Spastic paraplegia 49, autosomal recessive; NEUROPATHY, HEREDITARY SENSORY AND AUTONOMIC, TYPE IX, WITH DEVELOPMENTAL DELAY; TECPR2-Related Hereditary Sensory and Autonomic Neuropathy with Intellectual Disability. Identifiers: Orphanet 320385, MedGen C5190860, MONDO:0014016, OMIM 615031.

Allele frequency attached by ClinVar (database versions not stated): gnomAD exomes below 0.00001 and 0.00001; gnomAD 0.00001; TOPMed 0.00001.
gnomAD v4.1: 5 of 1,614,026 alleles (0.00031%); highest among the groups gnomAD compares: Non-Finnish European, 0.00042%; no homozygotes.

Submissions (3):

Labcorp Genetics (formerly Invitae), Labcorp
Classification: Uncertain significance for Hereditary spastic paraplegia 49. Last evaluated: 2022-11-01. Review status: criteria provided, single submitter. Criteria: Invitae Variant Classification Sherloc (09022015). Collection method: clinical testing. Allele origin: germline.
Comment: This sequence change replaces valine, which is neutral and non-polar, with alanine, which is neutral and non-polar, at codon 1061 of the TECPR2 protein (p.Val1061Ala). This variant is not present in population databases (gnomAD no frequency). This variant has not been reported in the literature in individuals affected with TECPR2-related conditions. ClinVar contains an entry for this variant (Variation ID: 643494). Algorithms developed to predict the effect of missense changes on protein structure and function (SIFT, PolyPhen-2, Align-GVGD) all suggest that this variant is likely to be tolerated. In summary, the available evidence is currently insufficient to determine the role of this variant in disease. Therefore, it has been classified as a Variant of Uncertain Significance.

GeneDx
Classification: Uncertain significance. Last evaluated: 2019-10-14. Review status: criteria provided, single submitter. Criteria: GeneDx Variant Classification Process June 2021. Collection method: clinical testing. Allele origin: germline. Affected: yes.
Comment: Not observed at a significant frequency in large population cohorts (Lek et al., 2016); In silico analysis, which includes protein predictors and evolutionary conservation, supports that this variant does not alter protein structure/function; Has not been previously published as pathogenic or benign to our knowledge

Natera, Inc.
Classification: Uncertain significance for Autosomal recessive spastic paraplegia type 49. Last evaluated: 2025-04-10. Review status: no assertion criteria provided. Collection method: clinical testing. Allele origin: germline. Not counted in ClinVar's aggregate classification.